The following is an entry in ClinVar:

ClinVar aggregate classification (germline): Conflicting classifications of pathogenicity. Review status: criteria provided, conflicting classifications (1 of 4 stars). 12 submissions from 12 submitters: Likely pathogenic (1); Benign (5); Likely benign (6). Last evaluated 2026-04-01.

Conditions:
Pulmonary fibrosis and/or bone marrow failure syndrome, telomere-related, 9 (PFBMFT9). Identifiers: MedGen C5830560, MONDO:0957294, OMIM 620400.
Dyskeratosis congenita, autosomal recessive 1. Identifiers: Orphanet 1775, MedGen C1857144, MONDO:0009136, OMIM 224230.

Allele frequency attached by ClinVar (database versions not stated): 1000 Genomes Project 0.00240; 1000 Genomes Project 30x 0.00281; TOPMed 0.00592; gnomAD 0.00831 and 0.00851; ESP Exome Variant Server 0.00885; ExAC 0.00974; gnomAD exomes 0.00985.
gnomAD v4.1: 17,235 of 1,614,014 alleles (1.1%); highest among the groups gnomAD compares: Non-Finnish European, 1.1%; 121 homozygotes.

Submissions (12):

CeGaT Center for Human Genetics Tuebingen
Classification: Benign. Last evaluated: 2026-04-01. Review status: criteria provided, single submitter. Criteria: CeGaT Center For Human Genetics Tuebingen Variant Classification Criteria Version 2. Collection method: clinical testing. Allele origin: germline. Affected: yes. Observed: 11 variant alleles.
Comment: NOP10: BS1, BS2

Labcorp Genetics (formerly Invitae), Labcorp
Classification: Benign for Dyskeratosis congenita, autosomal recessive 1. Last evaluated: 2026-02-01. Review status: criteria provided, single submitter. Criteria: Invitae Variant Classification Sherloc (09022015). Collection method: clinical testing. Allele origin: germline.

Dasa
Classification: Benign. Last evaluated: 2025-11-05. Review status: criteria provided, single submitter. Criteria: DASA Assertion Criteria. Collection method: clinical testing. Allele origin: germline.
Comment: NM_018648.4(NOP10):c.34G>C (p.Asp12His) is interpreted as benign based on a combination of available evidence, which may include population frequency, observations in unaffected individuals, intact protein function, lack of segregation with disease, in silico models, amino acid conservation, lack of disease association in case-control studies, and/or inconsistency with the known disease mechanism or impacted region. Based on the available data, this variant is classified as benign.

Mayo Clinic Laboratories, Mayo Clinic
Classification: Benign. Last evaluated: 2025-05-28. Review status: criteria provided, single submitter. Criteria: ACMG Guidelines, 2015. Collection method: clinical testing. Allele origin: germline. Observed: 10 variant alleles.
Comment: BS1, BS2, BP4

Blueprint Genetics
Classification: Likely benign. Last evaluated: 2024-11-27. Review status: criteria provided, single submitter. Criteria: ACMG Guidelines, 2015. Collection method: clinical testing. Allele origin: germline.

Dept. of Cytogenetics, ICMR- National Institute of Immunohaematology
Classification: Likely pathogenic for Pulmonary fibrosis and/or bone marrow failure syndrome, telomere-related, 9. Last evaluated: 2024-10-27. Review status: criteria provided, single submitter. Criteria: ACMG Guidelines, 2015. Collection method: clinical testing. Allele origin: inherited. Affected: yes. Observed: 9 variant alleles.
Comment: Familial segregation analysis revealed a history of malignancies and early death. All individuals harboring the variant exhibited similar abnormal skin changes. In silico prediction tools support a deleterious effect: SIFT and MISTIC classified the variant as damaging, and PolyPhen-2 predicted it to be possibly damaging. These findings suggest that D12H may be a pathogenic variant contributing to a heritable bone marrow failure syndrome.

ARUP Laboratories, Molecular Genetics and Genomics, ARUP Laboratories
Classification: Likely benign. Last evaluated: 2024-05-01. Review status: criteria provided, single submitter. Criteria: ARUP Molecular Germline Variant Investigation Process 2024. Collection method: clinical testing. Allele origin: germline.

GeneDx
Classification: Likely benign. Last evaluated: 2019-03-16. Review status: criteria provided, single submitter. Criteria: GeneDx Variant Classification Process June 2021. Collection method: clinical testing. Allele origin: germline. Affected: yes.

Illumina Laboratory Services, Illumina
Classification: Benign for Dyskeratosis congenita, autosomal recessive 1. Last evaluated: 2018-01-12. Review status: criteria provided, single submitter. Criteria: ICSL Variant Classification Criteria 13 December 2019. Collection method: clinical testing. Allele origin: germline.
Comment: This variant was observed in the ICSL laboratory as part of a predisposition screen in an ostensibly healthy population. It had not been previously curated by ICSL or reported in the Human Gene Mutation Database (HGMD: prior to June 1st, 2018), and was therefore a candidate for classification through an automated scoring system. Utilizing variant allele frequency, disease prevalence and penetrance estimates, and inheritance mode, an automated score was calculated to assess if this variant is too frequent to cause the disease. Based on the score and internal cut-off values, a variant classified as benign is not then subjected to further curation. The score for this variant resulted in a classification of benign for this disease.

Genetic Services Laboratory, University of Chicago
Classification: Likely benign. Last evaluated: 2016-05-06. Review status: criteria provided, single submitter. Criteria: ACMG Guidelines, 2015. Collection method: clinical testing. Allele origin: germline. Affected: no.

Center for Pediatric Genomic Medicine, Children's Mercy Hospital and Clinics
Classification: Likely benign. Last evaluated: 2015-09-02. Review status: criteria provided, single submitter. Criteria: ACMG Guidelines, 2015. Collection method: clinical testing. Allele origin: germline.
ClinVar note: Converted during submission from Likely Benign to Likely benign.

Breakthrough Genomics
Classification: Likely benign. Review status: criteria provided, single submitter. Criteria: ACMG Guidelines, 2015. Collection method: not provided. Allele origin: germline. Inheritance: Autosomal recessive inheritance. Affected: yes.

Literature cited by the submitters: PubMed 17507419 (cited by Mayo Clinic Laboratories, Mayo Clinic); PubMed 35085295 (cited by Mayo Clinic Laboratories, Mayo Clinic); PubMed 38363828 (cited by Mayo Clinic Laboratories, Mayo Clinic).

NM_018648.4(NOP10):c.34G>C (p.Asp12His)

Gene: NOP10 (NOP10 ribonucleoprotein; minus strand). Cytogenetic location: 15q14.
Variant type: single nucleotide variant.
Coding change: c.34G>C on transcript NM_018648.4 (MANE Select); coding-DNA position 34, G replaced by C.
Protein change: p.Asp12His; replaces aspartic acid 12 with histidine.
Molecular consequence: missense variant.
Genome position (GRCh38, 1-based): chr15:34,343,040, C>G on the plus strand (G>C on the coding strand, the complement: NOP10 is on the minus strand). VCF-style: chr15-34343040-C-G. GRCh37 (hg19) VCF-style: chr15-34635241-C-G.
Other names: p.Asp12His; short protein forms D12H.
Identifiers: ClinVar variation 235529 (VCV000235529.55), dbSNP rs146261631, ClinGen allele CA7464815.
Genomic context (GRCh38, chr15:34,343,040, plus strand): 5'-TTCTCGCCATGCCTATTTACACCCTGTTTTCTCTCCTCACCTTCAGCGTATAGACTCGAT[C>G]TCCCTGCTCGTTGAGGTAATACTGGAGAAACATGATCGCTTATAAGCCAGCGGTCCCAAT-3'
Protein context (NP_061118.1, residues 2-22): FLQYYLNEQG[Asp12His]RVYTLKKFDP